The following is an entry in ClinVar:

ClinVar aggregate classification (germline): Benign/Likely benign. Review status: criteria provided, multiple submitters, no conflicts (2 of 4 stars). 3 submissions from 3 submitters: Benign (1); Likely benign (1). 1 of the submissions does not count toward it. Last evaluated 2025-09-27.

Conditions:
RHOBTB2-related disorder. Also called: RHOBTB2-related condition.
Inborn genetic diseases. Identifiers: MedGen C0950123, MeSH D030342.

Allele frequency attached by ClinVar (database versions not stated): gnomAD 0.00002; TOPMed 0.00009; ExAC 0.00012.
gnomAD v4.1: 51 of 1,614,006 alleles (0.0032%); highest among the groups gnomAD compares: Admixed American, 0.04%; no homozygotes.

Submissions (3):

Labcorp Genetics (formerly Invitae), Labcorp
Classification: Benign. Last evaluated: 2025-09-27. Review status: criteria provided, single submitter. Criteria: Invitae Variant Classification Sherloc (09022015). Collection method: clinical testing. Allele origin: germline.

Ambry Genetics
Classification: Likely benign for Inborn genetic diseases. Last evaluated: 2023-12-14. Review status: criteria provided, single submitter. Criteria: Ambry Variant Classification Scheme 2023. Collection method: clinical testing. Allele origin: germline.

PreventionGenetics, part of Exact Sciences
Classification: Likely benign for RHOBTB2-related condition. Last evaluated: 2024-04-08. Review status: no assertion criteria provided. Collection method: clinical testing. Allele origin: germline. Not counted in ClinVar's aggregate classification.
Comment: This variant is classified as likely benign based on ACMG/AMP sequence variant interpretation guidelines (Richards et al. 2015 PMID: 25741868, with internal and published modifications).

NM_015178.3(RHOBTB2):c.1790G>C (p.Gly597Ala)

Gene: RHOBTB2 (Rho related BTB domain containing 2; plus strand). Cytogenetic location: 8p21.3.
Variant type: single nucleotide variant.
Coding change: c.1790G>C on transcript NM_015178.3 (MANE Select); coding-DNA position 1790, G replaced by C.
Protein change: p.Gly597Ala; replaces glycine 597 with alanine.
Molecular consequence: missense variant.
Genome position (GRCh38, 1-based): chr8:23,014,708, G>C. VCF-style: chr8-23014708-G-C. GRCh37 (hg19) VCF-style: chr8-22872221-G-C.
Other names: c.1856G>C (NM_001160036.1); c.1856G>C, p.Gly619Ala (NM_001160036.2); c.1811G>C, p.Gly604Ala (NM_001160037.2); c.1790G>C, p.Gly597Ala (NM_001374791.1); short protein forms G597A, G604A, G619A.
Identifiers: ClinVar variation 1607563 (VCV001607563.10), dbSNP rs61754072, ClinGen allele CA4672780.